The following is an entry in ClinVar:

ClinVar aggregate classification (germline): Uncertain significance (1 of 4 stars; one submission).

gnomAD v4.1: 17 of 1,536,164 alleles (0.0011%); highest among the groups gnomAD compares: Admixed American, 0.035%; no homozygotes.

Submission:

Labcorp Genetics (formerly Invitae), Labcorp
Classification: Uncertain significance. Last evaluated: 2024-05-06. Review status: criteria provided, single submitter. Criteria: Invitae Variant Classification Sherloc (09022015). Collection method: clinical testing. Allele origin: germline.
Comment: This sequence change replaces lysine, which is basic and polar, with methionine, which is neutral and non-polar, at codon 298 of the CDK13 protein (p.Lys298Met). This variant is present in population databases (no rsID available, gnomAD 0.02%). This variant has not been reported in the literature in individuals affected with CDK13-related conditions. Advanced modeling of protein sequence and biophysical properties (such as structural, functional, and spatial information, amino acid conservation, physicochemical variation, residue mobility, and thermodynamic stability) has been performed at Invitae for this missense variant, however the output from this modeling did not meet the statistical confidence thresholds required to predict the impact of this variant on CDK13 protein function. In summary, the available evidence is currently insufficient to determine the role of this variant in disease. Therefore, it has been classified as a Variant of Uncertain Significance.

NM_003718.5(CDK13):c.893A>T (p.Lys298Met)

Gene: CDK13 (cyclin dependent kinase 13; plus strand). Cytogenetic location: 7p14.1.
Variant type: single nucleotide variant.
Coding change: c.893A>T on transcript NM_003718.5 (MANE Select); coding-DNA position 893, A replaced by T.
Protein change: p.Lys298Met; replaces lysine 298 with methionine.
Molecular consequence: missense variant.
Genome position (GRCh38, 1-based): chr7:39,951,534, A>T. VCF-style: chr7-39951534-A-T. GRCh37 (hg19) VCF-style: chr7-39991133-A-T.
Other names: c.893A>T, p.Lys298Met (NM_031267.4); short protein forms K298M.
Identifiers: ClinVar variation 3699139 (VCV003699139.2).